The following is an entry in ClinVar:

ClinVar aggregate classification (germline): Uncertain significance (1 of 4 stars; one submission).

Conditions:
Alpha thalassemia-X-linked intellectual disability syndrome (ATRX). Also called: ALPHA-THALASSEMIA/MENTAL RETARDATION SYNDROME, X-LINKED; ATR, NONDELETION TYPE; ATR-X syndrome; Alpha thalassemia mental retardation syndrome, nondeletion type, X-linked; XLMR hypotonic face syndrome; X-linked alpha-thalassemia-mental retardation syndrome. Identifiers: Orphanet 847, MedGen C1845055, MONDO:0010519, OMIM 301040.

Submission:

Labcorp Genetics (formerly Invitae), Labcorp
Classification: Uncertain significance for Alpha thalassemia-X-linked intellectual disability syndrome. Last evaluated: 2024-04-29. Review status: criteria provided, single submitter. Criteria: Invitae Variant Classification Sherloc (09022015). Collection method: clinical testing. Allele origin: germline.
Comment: This sequence change replaces serine, which is neutral and polar, with proline, which is neutral and non-polar, at codon 1251 of the ATRX protein (p.Ser1251Pro). This variant is not present in population databases (gnomAD no frequency). This variant has not been reported in the literature in individuals affected with ATRX-related conditions. ClinVar contains an entry for this variant (Variation ID: 1990779). Advanced modeling of protein sequence and biophysical properties (such as structural, functional, and spatial information, amino acid conservation, physicochemical variation, residue mobility, and thermodynamic stability) performed at Invitae indicates that this missense variant is not expected to disrupt ATRX protein function with a negative predictive value of 95%. In summary, the available evidence is currently insufficient to determine the role of this variant in disease. Therefore, it has been classified as a Variant of Uncertain Significance.

NM_000489.6(ATRX):c.3751T>C (p.Ser1251Pro)

Gene: ATRX (ATRX chromatin remodeler; minus strand). Cytogenetic location: Xq21.1.
Variant type: single nucleotide variant.
Coding change: c.3751T>C on transcript NM_000489.6 (MANE Select); coding-DNA position 3751, T replaced by C.
Protein change: p.Ser1251Pro; replaces serine 1251 with proline.
Molecular consequence: missense variant.
Genome position (GRCh38, 1-based): chrX:77,676,284, A>G on the plus strand (T>C on the coding strand, the complement: ATRX is on the minus strand). VCF-style: chrX-77676284-A-G. GRCh37 (hg19) VCF-style: chrX-76931779-A-G.
Other names: c.3637T>C, p.Ser1213Pro (NM_138270.5); short protein forms S1251P, S1213P.
Identifiers: ClinVar variation 1990779 (VCV001990779.4), dbSNP rs2148543909, ClinGen allele CA413702265.
Genomic context (GRCh38, chrX:77,676,284, plus strand): 5'-ACCTATTCTCAGGATCATTGTCGTCATCATCATCATCCACTGTGACAGGCACTGATTTAG[A>G]TAAGGCTTCATCTCCTTGAGGGAAAAAAGTGTACTTAAAATTAGCTTTAAATAAGCTATA-3'
Protein context (NP_000480.3, residues 1241-1261): FCQSSGDEAL[Ser1251Pro]KSVPVTVDDD